The following is an entry in ClinVar:

ClinVar aggregate classification (germline): Likely pathogenic (1 of 4 stars; one submission).

Conditions:
Usher syndrome type 2A. Also called: RETINAL DISEASE IN USHER SYNDROME TYPE IIA, MODIFIER OF; USHER SYNDROME, TYPE IIA. Identifiers: Orphanet 231178, Orphanet 886, MedGen C1848634, MONDO:0010169, OMIM 276901.

Submission:

Natera, Inc.
Classification: Likely pathogenic for Usher syndrome type 2A. Last evaluated: 2025-06-25. Review status: criteria provided, single submitter. Criteria: Natera Variant Classification Schema (03/2026). Collection method: clinical testing. Allele origin: germline.
Comment: The c.6621C>G variant in USH2A is a nonsense variant predicted to introduce a stop codon at amino acid 2207. This variant is expected to result in nonsense mediated decay, truncation, or a dysfunctional protein product. This variant is rare in the general population with a frequency below the threshold expected for the associated phenotype(s). Given the available evidence, this variant is classified as Likely Pathogenic.

NM_206933.4(USH2A):c.6621C>G (p.Tyr2207Ter)

Gene: USH2A (usherin; minus strand). Cytogenetic location: 1q41.
Variant type: single nucleotide variant.
Coding change: c.6621C>G on transcript NM_206933.4 (MANE Select); coding-DNA position 6621, C replaced by G.
Protein change: p.Tyr2207Ter; replaces tyrosine 2207 with a stop codon.
Molecular consequence: nonsense.
Genome position (GRCh38, 1-based): chr1:215,998,923, G>C on the plus strand (C>G on the coding strand, the complement: USH2A is on the minus strand). VCF-style: chr1-215998923-G-C. GRCh37 (hg19) VCF-style: chr1-216172265-G-C.
Other names: short protein forms Y2207*.
Identifiers: ClinVar variation 4817140 (VCV004817140.1).